The following is an entry in ClinVar:

NM_014714.4(IFT140):c.3891C>A (p.Tyr1297Ter)

Gene: IFT140 (intraflagellar transport 140; minus strand). Cytogenetic location: 16p13.3.
Variant type: single nucleotide variant.
Coding change: c.3891C>A on transcript NM_014714.4 (MANE Select); coding-DNA position 3891, C replaced by A.
Protein change: p.Tyr1297Ter; replaces tyrosine 1297 with a stop codon.
Molecular consequence: nonsense.
Genome position (GRCh38, 1-based): chr16:1,520,030, G>T on the plus strand (C>A on the coding strand, the complement: IFT140 is on the minus strand). VCF-style: chr16-1520030-G-T. GRCh37 (hg19) VCF-style: chr16-1570031-G-T.
Other names: short protein forms Y1297*.
Identifiers: ClinVar variation 2152810 (VCV002152810.5), dbSNP rs562033874, ClinGen allele CA7812985.

ClinVar aggregate classification (germline): Pathogenic/Likely pathogenic. Review status: criteria provided, multiple submitters, no conflicts (2 of 4 stars). 2 submissions from 2 submitters: Pathogenic (1); Likely pathogenic (1). Last evaluated 2025-04-16.

Conditions:
IFT140-related disorders.
Saldino-Mainzer syndrome (SRTD9). Also called: SHORT-RIB THORACIC DYSPLASIA 9 WITHOUT POLYDACTYLY; Renal dysplasia, retinal pigmentary dystrophy, cerebellar ataxia and skeletal dysplasia; CONORENAL SYNDROME; short-rib thoracic dysplasia 9 with or without polydactyly. Identifiers: Orphanet 140969, MedGen C1849437, MONDO:0009964, OMIM 266920.

Allele frequency attached by ClinVar (database versions not stated): gnomAD 0.00001; TOPMed 0.00001; ExAC 0.00002; 1000 Genomes Project 30x 0.00016; 1000 Genomes Project 0.00020.
gnomAD v4.1: 12 of 1,601,048 alleles (0.00075%); highest among the groups gnomAD compares: South Asian, 0.013%; no homozygotes.

Submissions (2):

Labcorp Genetics (formerly Invitae), Labcorp
Classification: Pathogenic for Saldino-Mainzer syndrome. Last evaluated: 2025-04-16. Review status: criteria provided, single submitter. Criteria: Invitae Variant Classification Sherloc (09022015). Collection method: clinical testing. Allele origin: germline.
Comment: This sequence change creates a premature translational stop signal (p.Tyr1297*) in the IFT140 gene. It is expected to result in an absent or disrupted protein product. Loss-of-function variants in IFT140 are known to be pathogenic (PMID: 22503633, 23418020, 24009529, 26216056). This variant is present in population databases (rs562033874, gnomAD 0.01%). This variant has not been reported in the literature in individuals affected with IFT140-related conditions. ClinVar contains an entry for this variant (Variation ID: 2152810). For these reasons, this variant has been classified as Pathogenic.

Blueprint Genetics
Classification: Likely pathogenic for IFT140-related disorders. Last evaluated: 2024-11-27. Review status: criteria provided, single submitter. Criteria: ACMG Guidelines, 2015. Collection method: clinical testing. Allele origin: germline. Affected: yes. Observed: 4 variant alleles.

Literature cited by the submitters: PubMed 22503633 (cited by Labcorp Genetics (formerly Invitae), Labcorp); PubMed 23418020 (cited by Labcorp Genetics (formerly Invitae), Labcorp); PubMed 24009529 (cited by Labcorp Genetics (formerly Invitae), Labcorp); PubMed 26216056 (cited by Labcorp Genetics (formerly Invitae), Labcorp).